The following is an entry in ClinVar:

NM_001001331.4(ATP2B2):c.1603A>G (p.Met535Val)

Gene: ATP2B2 (ATPase plasma membrane Ca2+ transporting 2; minus strand). Cytogenetic location: 3p25.3.
Variant type: single nucleotide variant.
Coding change: c.1603A>G on transcript NM_001001331.4 (MANE Select); coding-DNA position 1603, A replaced by G.
Protein change: p.Met535Val; replaces methionine 535 with valine.
Molecular consequence: missense variant.
Genome position (GRCh38, 1-based): chr3:10,371,865, T>C on the plus strand (A>G on the coding strand, the complement: ATP2B2 is on the minus strand). VCF-style: chr3-10371865-T-C. GRCh37 (hg19) VCF-style: chr3-10413549-T-C.
Other names: c.1468A>G (NM_001683.3); c.1468A>G, p.Met490Val (NM_001330611.3, NM_001353564.1, NM_001363862.1 and 1 more transcripts); short protein forms M535V, M490V.
Identifiers: ClinVar variation 1487077 (VCV001487077.7), dbSNP rs745874947, ClinGen allele CA2253630.
Genomic context (GRCh38, chr3:10,371,865, plus strand): 5'-TTACCAGAATCTTGGTGGTGTAGGCGCTGTTGATGGCGATGGCATTGATCAGCAGCTCCA[T>C]GGTCTTGGTGTTGATGGAGCTGGGGTCGGGGATCTCTTTATAGTGGACGTCGCCGACATA-3'
Protein context (NP_001001331.1, residues 525-545): PDPSSINTKT[Met535Val]ELLINAIAIN

ClinVar aggregate classification (germline): Uncertain significance. Review status: criteria provided, multiple submitters, no conflicts (2 of 4 stars). 2 submissions from 2 submitters: Uncertain significance (2). Last evaluated 2024-07-09.

Allele frequency attached by ClinVar (database versions not stated): gnomAD exomes below 0.00001 and 0.00001; ExAC 0.00001; TOPMed 0.00001; gnomAD 0.00002 and 0.00003.
gnomAD v4.1: 8 of 1,614,140 alleles (0.0005%); highest among the groups gnomAD compares: Middle Eastern, 0.049%; no homozygotes.

Submissions (2):

Labcorp Genetics (formerly Invitae), Labcorp
Classification: Uncertain significance. Last evaluated: 2024-07-09. Review status: criteria provided, single submitter. Criteria: Invitae Variant Classification Sherloc (09022015). Collection method: clinical testing. Allele origin: germline.
Comment: This sequence change replaces methionine, which is neutral and non-polar, with valine, which is neutral and non-polar, at codon 490 of the ATP2B2 protein (p.Met490Val). This variant is present in population databases (rs745874947, gnomAD 0.007%). This variant has not been reported in the literature in individuals affected with ATP2B2-related conditions. ClinVar contains an entry for this variant (Variation ID: 1487077). Advanced modeling of protein sequence and biophysical properties (such as structural, functional, and spatial information, amino acid conservation, physicochemical variation, residue mobility, and thermodynamic stability) performed at Invitae indicates that this missense variant is not expected to disrupt ATP2B2 protein function with a negative predictive value of 80%. In summary, the available evidence is currently insufficient to determine the role of this variant in disease. Therefore, it has been classified as a Variant of Uncertain Significance.

Ambry Genetics
Classification: Uncertain significance. Last evaluated: 2024-03-08. Review status: criteria provided, single submitter. Criteria: Ambry Variant Classification Scheme 2023. Collection method: clinical testing. Allele origin: germline.